The following is an entry in ClinVar:

ClinVar aggregate classification (germline): Likely benign (1 of 4 stars; one submission).

Allele frequency attached by ClinVar (database versions not stated): ExAC 0.00003; gnomAD 0.00003; TOPMed 0.00006.
gnomAD v4.1: 35 of 1,612,272 alleles (0.0022%); highest among the groups gnomAD compares: Middle Eastern, 0.016%; no homozygotes.

Submission:

CeGaT Center for Human Genetics Tuebingen
Classification: Likely benign. Last evaluated: 2022-08-01. Review status: criteria provided, single submitter. Criteria: CeGaT Center For Human Genetics Tuebingen Variant Classification Criteria Version 2. Collection method: clinical testing. Allele origin: germline. Affected: yes. Observed: 1 variant allele.
Comment: UNC13C: BP4, BP7

NM_001080534.3(UNC13C):c.5922A>G (p.Gln1974=)

Gene: UNC13C (unc-13 homolog C; plus strand). Cytogenetic location: 15q21.3.
Variant type: single nucleotide variant.
Coding change: c.5922A>G on transcript NM_001080534.3 (MANE Select); coding-DNA position 5922, A replaced by G.
Protein change: p.Gln1974=; no amino-acid change (glutamine 1974 retained).
Molecular consequence: synonymous variant.
Genome position (GRCh38, 1-based): chr15:54,555,476, A>G. VCF-style: chr15-54555476-A-G. GRCh37 (hg19) VCF-style: chr15-54847674-A-G.
Other names: c.5916A>G, p.Gln1972= (NM_001329919.2).
Identifiers: ClinVar variation 2645363 (VCV002645363.24), dbSNP rs772428204, ClinGen allele CA7573012.